The following is an entry in ClinVar:

ClinVar aggregate classification (germline): Benign. Review status: criteria provided, multiple submitters, no conflicts (2 of 4 stars). 2 submissions from 2 submitters: Benign (2). Last evaluated 2018-01-12.

Conditions:
RFT1-congenital disorder of glycosylation (CDG1N). Also called: Congenital disorder of glycosylation type In; CDG In; RFT1-CDG. Identifiers: Orphanet 244310, MedGen C2677590, MONDO:0012783, OMIM 612015.

Allele frequency attached by ClinVar (database versions not stated): gnomAD 0.47829 and 0.48391; 1000 Genomes Project 30x 0.48017; TOPMed 0.48086; 1000 Genomes Project 0.49042.
gnomAD v4.1: 161,504 of 315,340 alleles (51%); highest among the groups gnomAD compares: East Asian, 73%; 44,253 homozygotes.

Submissions (2):

Illumina Laboratory Services, Illumina
Classification: Benign for RFT1-congenital disorder of glycosylation. Last evaluated: 2018-01-12. Review status: criteria provided, single submitter. Criteria: ICSL Variant Classification Criteria 13 December 2019. Collection method: clinical testing. Allele origin: germline.
Comment: This variant was observed in the ICSL laboratory as part of a predisposition screen in an ostensibly healthy population. It had not been previously curated by ICSL or reported in the Human Gene Mutation Database (HGMD: prior to June 1st, 2018), and was therefore a candidate for classification through an automated scoring system. Utilizing variant allele frequency, disease prevalence and penetrance estimates, and inheritance mode, an automated score was calculated to assess if this variant is too frequent to cause the disease. Based on the score and internal cut-off values, a variant classified as benign is not then subjected to further curation. The score for this variant resulted in a classification of benign for this disease.

Breakthrough Genomics
Classification: Benign. Review status: criteria provided, single submitter. Criteria: ACMG Guidelines, 2015. Collection method: not provided. Allele origin: germline. Inheritance: Autosomal recessive inheritance. Affected: yes.

NM_052859.4(RFT1):c.*334A>G

Gene: RFT1 (RFT1 glycolipid translocator homolog; minus strand). Cytogenetic location: 3p21.1.
Variant type: single nucleotide variant.
Coding change: c.*334A>G on transcript NM_052859.4 (MANE Select); 334 bases downstream of the stop codon, A replaced by G.
Molecular consequence: 3 prime UTR variant.
Genome position (GRCh38, 1-based): chr3:53,091,569, T>C on the plus strand (A>G on the coding strand, the complement: RFT1 is on the minus strand). VCF-style: chr3-53091569-T-C. GRCh37 (hg19) VCF-style: chr3-53125585-T-C.
Identifiers: ClinVar variation 346177 (VCV000346177.6), dbSNP rs2564921, ClinGen allele CA10616436.
Genomic context (GRCh38, chr3:53,091,569, plus strand): 5'-TAAAATCACTGCATCTCTTTTTCTGGGCCAGATAATTATTAACAGTTAACAATTAAGATA[T>C]AGTTTGTTGGAGCATGTAGCTCCAAAGGCCAATCATACGCAAAAGGAATGAGTATATTAG-3'